The following is an entry in ClinVar:

ClinVar aggregate classification (germline): Pathogenic. Review status: criteria provided, single submitter (1 of 4 stars). 2 submissions from 2 submitters: Pathogenic (1). 1 of the submissions does not count toward it. Last evaluated 2022-04-01.

Conditions:
Cornelia de Lange syndrome 4 (CDLS4). Also called: CORNELIA DE LANGE SYNDROME 4 WITH OR WITHOUT MIDLINE BRAIN DEFECTS; RAD21-Related Cornelia de Lange Syndrome. Identifiers: Orphanet 199, MedGen C3553517, MONDO:0013864, OMIM 614701.

Submissions (2):

GeneDx
Classification: Pathogenic. Last evaluated: 2022-04-01. Review status: criteria provided, single submitter. Criteria: GeneDx Variant Classification Process June 2021. Collection method: clinical testing. Allele origin: germline. Affected: yes.
Comment: Frameshift variant predicted to result in protein truncation or nonsense mediated decay in a gene for which loss of function is a known mechanism of disease; Not observed at significant frequency in large population cohorts (gnomAD); This variant is associated with the following publications: (PMID: 31334757)

OMIM
Classification: Pathogenic for CORNELIA DE LANGE SYNDROME 4 WITH MIDLINE BRAIN DEFECTS. Last evaluated: 2020-10-09. Review status: no assertion criteria provided. Collection method: literature only. Allele origin: germline. Not counted in ClinVar's aggregate classification.

Literature cited by the submitters: PubMed 31334757 (cited by OMIM).

NM_006265.3(RAD21):c.1217_1224del (p.Lys406fs)

Gene: RAD21 (RAD21 cohesin complex component; minus strand). Cytogenetic location: 8q24.11.
Variant type: Microsatellite.
Coding change: c.1217_1224del on transcript NM_006265.3 (MANE Select); coding-DNA positions 1217 to 1224, 8 bases deleted (AAGGAGGA; older notation c.1217_1224delAAGGAGGA).
Protein change: p.Lys406fs; shifts the reading frame from lysine 406.
Molecular consequence: frameshift variant.
Genome position (GRCh38, 1-based): chr8:116,852,646-116,852,653, TCCTCCTT deleted on the plus strand (AAGGAGGA on the coding strand, the reverse complement: RAD21 is on the minus strand); deleting any 8 consecutive bases within chr8:116,852,646-116,852,662 gives the same sequence; the c. name uses the placement nearest the transcript's 3' end. VCF-style (leftmost placement, unchanged base first): chr8-116852645-CTCCTCCTT-C. GRCh37 (hg19) VCF-style: chr8-117864884-CTCCTCCTT-C.
Other names: short protein forms K406fs.
Identifiers: ClinVar variation 864836 (VCV000864836.5), dbSNP rs1812376090, ClinGen allele CA916082316.